The following is an entry in ClinVar:

NM_000360.4(TH):c.925C>T (p.Gln309Ter)

Gene: TH (tyrosine hydroxylase; minus strand). Cytogenetic location: 11p15.5.
Variant type: single nucleotide variant.
Coding change: c.925C>T on transcript NM_000360.4 (MANE Select); coding-DNA position 925, C replaced by T.
Protein change: p.Gln309Ter; replaces glutamine 309 with a stop codon.
Molecular consequence: nonsense.
Genome position (GRCh38, 1-based): chr11:2,166,685, G>A on the plus strand (C>T on the coding strand, the complement: TH is on the minus strand). VCF-style: chr11-2166685-G-A. GRCh37 (hg19) VCF-style: chr11-2187915-G-A.
Other names: c.1018C>T, p.Gln340Ter (NM_199292.3); c.1006C>T, p.Gln336Ter (NM_199293.3); short protein forms Q309*, Q340*, Q336*.
Identifiers: ClinVar variation 2901089 (VCV002901089.4), dbSNP rs2495803078, ClinGen allele CA379126202.

ClinVar aggregate classification (germline): Pathogenic. Review status: criteria provided, multiple submitters, no conflicts (2 of 4 stars). 2 submissions from 2 submitters: Pathogenic (2). Last evaluated 2026-03-30.

Conditions:
TH-deficient dopa-responsive dystonia. Also called: Tyrosine Hydroxylase-Deficient Dopa-Responsive Dystonia; Segawa syndrome, autosomal recessive; DYT-TH. Identifiers: Orphanet 101150, MedGen C2673535, MONDO:0011551, OMIM 605407.

gnomAD v4.1: 1 of 1,561,320 alleles (0.000064%); highest among the groups gnomAD compares: Non-Finnish European, 0.000087%; no homozygotes.

Submissions (2):

Myriad Genetics, Inc.
Classification: Pathogenic for TH-deficient dopa-responsive dystonia. Last evaluated: 2026-03-30. Review status: criteria provided, single submitter. Criteria: Myriad Autosomal Dominant, Autosomal Recessive and X-Linked Classification Criteria (2023). Collection method: clinical testing. Allele origin: unknown.
Comment: NM_199292.2(TH):c.1018C>T(Q340*) is a nonsense variant classified as pathogenic in the context of tyrosine hydroxylase deficiency. Q340* has not been observed in cases with relevant disease. Relevant functional assessments of this variant are not available in the literature. Q340* has not been observed in referenced population frequency databases. In summary, NM_199292.2(TH):c.1018C>T(Q340*) is a nonsense variant in a gene where loss of function is a known mechanism of disease and is predicted to disrupt protein function. Please note: this variant was assessed in the context of healthy population screening.

Labcorp Genetics (formerly Invitae), Labcorp
Classification: Pathogenic for TH-deficient dopa-responsive dystonia. Last evaluated: 2025-08-06. Review status: criteria provided, single submitter. Criteria: Invitae Variant Classification Sherloc (09022015). Collection method: clinical testing. Allele origin: germline.
Comment: This sequence change creates a premature translational stop signal (p.Gln340*) in the TH gene. It is expected to result in an absent or disrupted protein product. Loss-of-function variants in TH are known to be pathogenic (PMID: 22264700, 24753243). This variant is not present in population databases (gnomAD no frequency). This variant has not been reported in the literature in individuals affected with TH-related conditions. ClinVar contains an entry for this variant (Variation ID: 2901089). For these reasons, this variant has been classified as Pathogenic.

Literature cited by the submitters: PubMed 22264700 (cited by Labcorp Genetics (formerly Invitae), Labcorp); PubMed 24753243 (cited by Labcorp Genetics (formerly Invitae), Labcorp).